The following is an entry in ClinVar:

NC_000015.9:g.(?_23730704)_(28530182_?)del

Genes: ATP10A (ATPase phospholipid transporting 10A (putative); minus strand), GABRA5 (gamma-aminobutyric acid type A receptor subunit alpha5; plus strand), GABRB3 (gamma-aminobutyric acid type A receptor subunit beta3; minus strand), GABRG3 (gamma-aminobutyric acid type A receptor subunit gamma3; plus strand), HERC2 (HECT and RLD domain containing E3 ubiquitin protein ligase 2; minus strand) and 18 more. Cytogenetic location: 15q11.2-13.1.
Variant type: Deletion.
Identifiers: ClinVar variation 209214 (VCV000209214.2).

ClinVar aggregate classification (germline): Pathogenic (1 of 4 stars; one submission).

Conditions:
Angelman syndrome (AS). Also called: HAPPY PUPPET SYNDROME. Identifiers: Orphanet 72, MedGen C0162635, MONDO:0007113, OMIM 105830. Disease mechanism: loss of function. Inheritance: AS is caused by disruption of maternally imprinted UBE3A located within the 15q11.2-q13 Angelman syndrome/Prader-Willi syndrome (AS/PWS) region., imprinting disorder.

Submission:

Baylor Genetics
Classification: Pathogenic for Angelman syndrome. Last evaluated: 2013-08-21. Review status: criteria provided, single submitter. Criteria: Yang et al. 2013. Collection method: clinical testing. Allele origin: germline. Inheritance: Other. Affected: yes. Study: Adult_WES.

Literature cited by the submitters: PubMed 26633545.